The following is an entry in ClinVar:

NM_001197104.2(KMT2A):c.9722G>A (p.Ser3241Asn)

Gene: KMT2A (lysine methyltransferase 2A; plus strand). Cytogenetic location: 11q23.3.
Variant type: single nucleotide variant.
Coding change: c.9722G>A on transcript NM_001197104.2 (MANE Select); coding-DNA position 9722, G replaced by A.
Protein change: p.Ser3241Asn; replaces serine 3241 with asparagine.
Molecular consequence: missense variant.
Genome position (GRCh38, 1-based): chr11:118,505,614, G>A. VCF-style: chr11-118505614-G-A. GRCh37 (hg19) VCF-style: chr11-118376329-G-A.
Other names: c.9812G>A, p.Ser3271Asn (NM_001412597.1); c.9713G>A, p.Ser3238Asn (NM_005933.4); short protein forms S3271N, S3241N, S3238N.
Identifiers: ClinVar variation 1935254 (VCV001935254.5), dbSNP rs782345465, ClinGen allele CA6304635.

ClinVar aggregate classification (germline): Uncertain significance (1 of 4 stars; one submission).

Allele frequency attached by ClinVar (database versions not stated): gnomAD exomes below 0.00001; ExAC 0.00001.
gnomAD v4.1: 2 of 1,614,050 alleles (0.00012%); highest among the groups gnomAD compares: Non-Finnish European, 0.00017%; no homozygotes.

Submission:

Labcorp Genetics (formerly Invitae), Labcorp
Classification: Uncertain significance. Last evaluated: 2024-12-03. Review status: criteria provided, single submitter. Criteria: Invitae Variant Classification Sherloc (09022015). Collection method: clinical testing. Allele origin: germline.
Comment: This sequence change replaces serine, which is neutral and polar, with asparagine, which is neutral and polar, at codon 3241 of the KMT2A protein (p.Ser3241Asn). This variant is present in population databases (rs782345465, gnomAD 0.0009%). This variant has not been reported in the literature in individuals affected with KMT2A-related conditions. ClinVar contains an entry for this variant (Variation ID: 1935254). Invitae Evidence Modeling of protein sequence and biophysical properties (such as structural, functional, and spatial information, amino acid conservation, physicochemical variation, residue mobility, and thermodynamic stability) indicates that this missense variant is not expected to disrupt KMT2A protein function with a negative predictive value of 95%. In summary, the available evidence is currently insufficient to determine the role of this variant in disease. Therefore, it has been classified as a Variant of Uncertain Significance.